The following is an entry in ClinVar:

NM_006514.4(SCN10A):c.5437G>A (p.Gly1813Arg)

Gene: SCN10A (sodium voltage-gated channel alpha subunit 10; minus strand). Cytogenetic location: 3p22.2.
Variant type: single nucleotide variant.
Coding change: c.5437G>A on transcript NM_006514.4 (MANE Select); coding-DNA position 5437, G replaced by A.
Protein change: p.Gly1813Arg; replaces glycine 1813 with arginine.
Molecular consequence: missense variant.
Genome position (GRCh38, 1-based): chr3:38,697,783, C>T on the plus strand (G>A on the coding strand, the complement: SCN10A is on the minus strand). VCF-style: chr3-38697783-C-T. GRCh37 (hg19) VCF-style: chr3-38739274-C-T.
Other names: c.5434G>A, p.Gly1812Arg (NM_001293306.2); c.5143G>A, p.Gly1715Arg (NM_001293307.2); short protein forms G1813R, G1715R, G1812R.
Identifiers: ClinVar variation 1747522 (VCV001747522.2), dbSNP rs2470550828, ClinGen allele CA352153436.

ClinVar aggregate classification (germline): Uncertain significance (1 of 4 stars; one submission).

Conditions:
Cardiovascular phenotype. Identifiers: MedGen CN230736.

Allele frequency attached by ClinVar (database versions not stated): gnomAD exomes below 0.00001.
gnomAD v4.1: 1 of 1,614,154 alleles (0.000062%); highest among the groups gnomAD compares: Non-Finnish European, 0.000085%; no homozygotes.

Submission:

Ambry Genetics
Classification: Uncertain significance for Cardiovascular phenotype. Last evaluated: 2022-04-04. Review status: criteria provided, single submitter. Criteria: Ambry Variant Classification Scheme 2023. Collection method: clinical testing. Allele origin: germline.
Comment: The p.G1813R variant (also known as c.5437G>A), located in coding exon 27 of the SCN10A gene, results from a G to A substitution at nucleotide position 5437. The glycine at codon 1813 is replaced by arginine, an amino acid with dissimilar properties. This amino acid position is conserved. In addition, this alteration is predicted to be deleterious by in silico analysis. Since supporting evidence is limited at this time, the clinical significance of this alteration remains unclear.